The following is an entry in ClinVar:

ClinVar aggregate classification (germline): Benign/Likely benign. Review status: criteria provided, multiple submitters, no conflicts (2 of 4 stars). 10 submissions from 10 submitters: Benign (7); Likely benign (3). Last evaluated 2026-09-01.

Conditions:
Autoinflammatory syndrome. Identifiers: Orphanet 93665, MedGen C3890737, MONDO:0019751.
Pyogenic arthritis-pyoderma gangrenosum-acne syndrome (PAPA). Also called: FAMILIAL RECURRENT ARTHRITIS; PAPA SYNDROME. Identifiers: Orphanet 69126, MedGen C1858361, MONDO:0011462, OMIM 604416.

Allele frequency attached by ClinVar (database versions not stated): TOPMed 0.00250; 1000 Genomes Project 0.00280; 1000 Genomes Project 30x 0.00297; ESP Exome Variant Server 0.00323.
gnomAD v4.1: 6,447 of 1,612,612 alleles (0.4%); highest among the groups gnomAD compares: Non-Finnish European, 0.42%; 29 homozygotes.

Submissions (10):

CeGaT Center for Human Genetics Tuebingen
Classification: Likely benign. Last evaluated: 2026-09-01. Review status: criteria provided, single submitter. Criteria: CeGaT Center For Human Genetics Tuebingen Variant Classification Criteria Version 2. Collection method: clinical testing. Allele origin: germline. Affected: yes. Observed: 24 variant alleles.
Comment: PSTPIP1: BP4, BP7, BS2

Labcorp Genetics (formerly Invitae), Labcorp
Classification: Benign for Pyogenic arthritis-pyoderma gangrenosum-acne syndrome. Last evaluated: 2026-01-31. Review status: criteria provided, single submitter. Criteria: Invitae Variant Classification Sherloc (09022015). Collection method: clinical testing. Allele origin: germline.

Women's Health and Genetics/Laboratory Corporation of America, LabCorp
Classification: Benign. Last evaluated: 2026-01-23. Review status: criteria provided, single submitter. Criteria: LabCorp Variant Classification Summary - May 2015. Collection method: clinical testing. Allele origin: germline.

Mayo Clinic Laboratories, Mayo Clinic
Classification: Likely benign. Last evaluated: 2025-06-05. Review status: criteria provided, single submitter. Criteria: ACMG Guidelines, 2015. Collection method: clinical testing. Allele origin: germline. Observed: 7 variant alleles.
Comment: BS1, BP4, BP7

ARUP Laboratories, Molecular Genetics and Genomics, ARUP Laboratories
Classification: Benign for Pyogenic arthritis-pyoderma gangrenosum-acne syndrome. Last evaluated: 2025-02-18. Review status: criteria provided, single submitter. Criteria: ARUP Molecular Germline Variant Investigation Process 2024. Collection method: clinical testing. Allele origin: germline.

Blueprint Genetics
Classification: Likely benign. Last evaluated: 2024-11-22. Review status: criteria provided, single submitter. Criteria: ACMG Guidelines, 2015. Collection method: clinical testing. Allele origin: germline.

Genome Diagnostics Laboratory, The Hospital for Sick Children
Classification: Benign for Autoinflammatory syndrome. Last evaluated: 2022-02-22. Review status: criteria provided, single submitter. Criteria: ACMG Guidelines, 2015. Collection method: clinical testing. Allele origin: germline. Affected: yes.

Illumina Laboratory Services, Illumina
Classification: Benign for Pyogenic arthritis-pyoderma gangrenosum-acne syndrome. Last evaluated: 2018-01-12. Review status: criteria provided, single submitter. Criteria: ICSL Variant Classification Criteria 13 December 2019. Collection method: clinical testing. Allele origin: germline.
Comment: This variant was observed in the ICSL laboratory as part of a predisposition screen in an ostensibly healthy population. It had not been previously curated by ICSL or reported in the Human Gene Mutation Database (HGMD: prior to June 1st, 2018), and was therefore a candidate for classification through an automated scoring system. Utilizing variant allele frequency, disease prevalence and penetrance estimates, and inheritance mode, an automated score was calculated to assess if this variant is too frequent to cause the disease. Based on the score and internal cut-off values, a variant classified as benign is not then subjected to further curation. The score for this variant resulted in a classification of benign for this disease.

GeneDx
Classification: Benign. Last evaluated: 2011-10-03. Review status: criteria provided, single submitter. Criteria: GeneDx Variant Classification (06012015). Collection method: clinical testing. Allele origin: germline. Affected: yes.
Comment: This variant is considered likely benign or benign based on one or more of the following criteria: it is a conservative change, it occurs at a poorly conserved position in the protein, it is predicted to be benign by multiple in silico algorithms, and/or has population frequency not consistent with disease.

Breakthrough Genomics
Classification: Benign. Review status: criteria provided, single submitter. Criteria: ACMG Guidelines, 2015. Collection method: not provided. Allele origin: germline. Inheritance: Autosomal dominant inheritance. Affected: yes.

NM_003978.5(PSTPIP1):c.837C>T (p.Pro279=)

Gene: PSTPIP1 (proline-serine-threonine phosphatase interacting protein 1; plus strand). Cytogenetic location: 15q24.3.
Variant type: single nucleotide variant.
Coding change: c.837C>T on transcript NM_003978.5 (MANE Select); coding-DNA position 837, C replaced by T.
Protein change: p.Pro279=; no amino-acid change (proline 279 retained).
Molecular consequence: synonymous variant.
Genome position (GRCh38, 1-based): chr15:77,032,393, C>T. VCF-style: chr15-77032393-C-T. GRCh37 (hg19) VCF-style: chr15-77324734-C-T.
Other names: p.P279P:CCC>CCT; p.Pro279=; c.837C>T (LRG_172t1); c.837C>T, p.Pro279= (NM_001321135.2); c.810C>T, p.Pro270= (NM_001321136.2); c.1032C>T, p.Pro344= (NM_001321137.1).
Identifiers: ClinVar variation 138827 (VCV000138827.58), dbSNP rs149195362, ClinGen allele CA292941.